The following is an entry in ClinVar:

NM_021625.5(TRPV4):c.28G>A (p.Ala10Thr)

Gene: TRPV4 (transient receptor potential cation channel subfamily V member 4; minus strand). Cytogenetic location: 12q24.11.
Variant type: single nucleotide variant.
Coding change: c.28G>A on transcript NM_021625.5 (MANE Select); coding-DNA position 28, G replaced by A.
Protein change: p.Ala10Thr; replaces alanine 10 with threonine.
Molecular consequence: missense variant.
Genome position (GRCh38, 1-based): chr12:109,814,769, C>T on the plus strand (G>A on the coding strand, the complement: TRPV4 is on the minus strand). VCF-style: chr12-109814769-C-T. GRCh37 (hg19) VCF-style: chr12-110252574-C-T.
Other names: c.28G>A, p.Ala10Thr (NM_001177428.2, NM_001177431.2, NM_001177433.2 and 1 more transcripts); short protein forms A10T.
Identifiers: ClinVar variation 2181449 (VCV002181449.4), dbSNP rs376436045, ClinGen allele CA243479175.

ClinVar aggregate classification (germline): Uncertain significance. Review status: criteria provided, multiple submitters, no conflicts (2 of 4 stars). 2 submissions from 2 submitters: Uncertain significance (2). Last evaluated 2026-07-02.

Conditions:
TRPV4-related disorder. Also called: TRPV4-related disorders; TRPV4-related condition.
Charcot-Marie-Tooth disease axonal type 2C (HMSN2C). Also called: CHARCOT-MARIE-TOOTH DISEASE, AXONAL, AUTOSOMAL DOMINANT, TYPE 2C; Charcot-Marie-Tooth Neuropathy Type 2C; Charcot-Marie-Tooth Disease Type 2, TRPV4-Related (CMT2C). Identifiers: Orphanet 99937, MedGen C1853710, MONDO:0011633, OMIM 606071.

gnomAD v4.1: 21 of 1,553,820 alleles (0.0014%); highest among the groups gnomAD compares: Admixed American, 0.0058%; no homozygotes.

Submissions (2):

PreventionGenetics, part of Exact Sciences
Classification: Uncertain significance for TRPV4-related condition. Last evaluated: 2026-07-02. Review status: criteria provided, single submitter. Criteria: ACMG Guidelines, 2015. Collection method: clinical testing. Allele origin: germline.
Comment: The TRPV4 c.28G>A variant is predicted to result in the amino acid substitution p.Ala10Thr. To our knowledge, this variant has not been reported in the literature. This variant is reported in 0.0017% of alleles in individuals of European (non-Finnish) descent in gnomAD. At this time, the clinical significance of this variant is uncertain due to the absence of conclusive functional and genetic evidence.

Labcorp Genetics (formerly Invitae), Labcorp
Classification: Uncertain significance for Charcot-Marie-Tooth disease axonal type 2C. Last evaluated: 2024-05-08. Review status: criteria provided, single submitter. Criteria: Invitae Variant Classification Sherloc (09022015). Collection method: clinical testing. Allele origin: germline.
Comment: This sequence change replaces alanine, which is neutral and non-polar, with threonine, which is neutral and polar, at codon 10 of the TRPV4 protein (p.Ala10Thr). The frequency data for this variant in the population databases is considered unreliable, as metrics indicate poor data quality at this position in the gnomAD database. This variant has not been reported in the literature in individuals affected with TRPV4-related conditions. ClinVar contains an entry for this variant (Variation ID: 2181449). Advanced modeling of protein sequence and biophysical properties (such as structural, functional, and spatial information, amino acid conservation, physicochemical variation, residue mobility, and thermodynamic stability) performed at Invitae indicates that this missense variant is not expected to disrupt TRPV4 protein function with a negative predictive value of 95%. In summary, the available evidence is currently insufficient to determine the role of this variant in disease. Therefore, it has been classified as a Variant of Uncertain Significance.